The following is an entry in ClinVar:

NM_001365951.3(KIF1B):c.4226A>G (p.Tyr1409Cys)

Gene: KIF1B (kinesin family member 1B; plus strand). Cytogenetic location: 1p36.22.
Variant type: single nucleotide variant.
Coding change: c.4226A>G on transcript NM_001365951.3 (MANE Select); coding-DNA position 4226, A replaced by G.
Protein change: p.Tyr1409Cys; replaces tyrosine 1409 with cysteine.
Molecular consequence: missense variant.
Genome position (GRCh38, 1-based): chr1:10,361,747, A>G. VCF-style: chr1-10361747-A-G. GRCh37 (hg19) VCF-style: chr1-10421805-A-G.
Other names: c.4226A>G, p.Tyr1409Cys (NM_001365952.1); c.4088A>G, p.Tyr1363Cys (NM_015074.3); short protein forms Y1363C, Y1409C.
Identifiers: ClinVar variation 1737674 (VCV001737674.3), dbSNP rs1300236372, ClinGen allele CA338317446.

ClinVar aggregate classification (germline): Uncertain significance (1 of 4 stars; one submission).

Allele frequency attached by ClinVar (database versions not stated): TOPMed below 0.00001.
gnomAD v4.1: 2 of 1,613,952 alleles (0.00012%); highest among the groups gnomAD compares: Non-Finnish European, 0.00017%; no homozygotes.

Submission:

Ambry Genetics
Classification: Uncertain significance. Last evaluated: 2024-09-23. Review status: criteria provided, single submitter. Criteria: Ambry Variant Classification Scheme 2023. Collection method: clinical testing. Allele origin: germline.
Comment: The p.Y1363C variant (also known as c.4088A>G), located in coding exon 37 of the KIF1B gene, results from an A to G substitution at nucleotide position 4088. The tyrosine at codon 1363 is replaced by cysteine, an amino acid with highly dissimilar properties. This amino acid position is conserved. In addition, this alteration is predicted to be deleterious by in silico analysis. Since supporting evidence is limited at this time, the clinical significance of this alteration remains unclear.